The following is an entry in ClinVar:

ClinVar aggregate classification (germline): Uncertain significance. Review status: criteria provided, multiple submitters, no conflicts (2 of 4 stars). 2 submissions from 2 submitters: Uncertain significance (2). Last evaluated 2025-12-08.

Conditions:
Inborn genetic diseases. Identifiers: MedGen C0950123, MeSH D030342.
Imerslund-Grasbeck syndrome. Also called: Megaloblastic anemia due to inborn errors of metabolism; ENTEROCYTE COBALAMIN MALABSORPTION; ENTEROCYTE INTRINSIC FACTOR RECEPTOR, DEFECT OF; PERNICIOUS ANEMIA, JUVENILE, DUE TO SELECTIVE INTESTINAL MALABSORPTION OF VITAMIN B12, WITH PROTEINURIA; Imerslund-Gräsbeck syndrome. Identifiers: Orphanet 35858, MedGen C4551825, MONDO:0009853.

Allele frequency attached by ClinVar (database versions not stated): TOPMed 0.00003; ExAC 0.00002; gnomAD 0.00003; gnomAD exomes below 0.00001; ESP Exome Variant Server 0.00008.
gnomAD v4.1: 6 of 1,612,818 alleles (0.00037%); highest among the groups gnomAD compares: African/African-American, 0.008%; no homozygotes.

Submissions (2):

Ambry Genetics
Classification: Uncertain significance for Inborn genetic diseases. Last evaluated: 2025-12-08. Review status: criteria provided, single submitter. Criteria: Ambry Variant Classification Scheme 2023. Collection method: clinical testing. Allele origin: germline.

Labcorp Genetics (formerly Invitae), Labcorp
Classification: Uncertain significance for Imerslund-Grasbeck syndrome. Last evaluated: 2023-11-27. Review status: criteria provided, single submitter. Criteria: Invitae Variant Classification Sherloc (09022015). Collection method: clinical testing. Allele origin: germline.
Comment: This sequence change replaces lysine, which is basic and polar, with glutamic acid, which is acidic and polar, at codon 777 of the CUBN protein (p.Lys777Glu). This variant is present in population databases (rs369408738, gnomAD 0.01%). This variant has not been reported in the literature in individuals affected with CUBN-related conditions. ClinVar contains an entry for this variant (Variation ID: 1968119). Advanced modeling of protein sequence and biophysical properties (such as structural, functional, and spatial information, amino acid conservation, physicochemical variation, residue mobility, and thermodynamic stability) performed at Invitae indicates that this missense variant is expected to disrupt CUBN protein function with a positive predictive value of 80%. In summary, the available evidence is currently insufficient to determine the role of this variant in disease. Therefore, it has been classified as a Variant of Uncertain Significance.

NM_001081.4(CUBN):c.2329A>G (p.Lys777Glu)

Gene: CUBN (cubilin; minus strand). Cytogenetic location: 10p13.
Variant type: single nucleotide variant.
Coding change: c.2329A>G on transcript NM_001081.4 (MANE Select); coding-DNA position 2329, A replaced by G.
Protein change: p.Lys777Glu; replaces lysine 777 with glutamic acid.
Molecular consequence: missense variant.
Genome position (GRCh38, 1-based): chr10:17,071,944, T>C on the plus strand (A>G on the coding strand, the complement: CUBN is on the minus strand). VCF-style: chr10-17071944-T-C. GRCh37 (hg19) VCF-style: chr10-17113943-T-C.
Other names: short protein forms K777E.
Identifiers: ClinVar variation 1968119 (VCV001968119.4), dbSNP rs369408738, ClinGen allele CA5425007.